The following is an entry in ClinVar:

ClinVar aggregate classification (germline): Uncertain significance (1 of 4 stars; one submission).

Submission:

GeneDx
Classification: Uncertain significance. Last evaluated: 2024-05-07. Review status: criteria provided, single submitter. Criteria: GeneDx Variant Classification Process June 2021. Collection method: clinical testing. Allele origin: germline. Affected: yes.
Comment: Not observed at significant frequency in large population cohorts (gnomAD); In silico analysis indicates that this missense variant does not alter protein structure/function; Has not been previously published as pathogenic or benign to our knowledge

NM_015176.4(FBXO28):c.332G>T (p.Arg111Met)

Gene: FBXO28 (F-box protein 28; plus strand). Cytogenetic location: 1q42.11.
Variant type: single nucleotide variant.
Coding change: c.332G>T on transcript NM_015176.4 (MANE Select); coding-DNA position 332, G replaced by T.
Protein change: p.Arg111Met; replaces arginine 111 with methionine.
Molecular consequence: missense variant. On other transcripts: non-coding transcript variant (1).
Genome position (GRCh38, 1-based): chr1:224,130,536, G>T. VCF-style: chr1-224130536-G-T. GRCh37 (hg19) VCF-style: chr1-224318238-G-T.
Other names: c.332G>T, p.Arg111Met (NM_001136115.3); short protein forms R111M.
Identifiers: ClinVar variation 3375986 (VCV003375986.1).